The following is an entry in ClinVar:

NM_001042492.3(NF1):c.4947dup (p.Pro1650fs)

Gene: NF1 (neurofibromin 1; plus strand). Cytogenetic location: 17q11.2.
Variant type: Duplication.
Coding change: c.4947dup on transcript NM_001042492.3 (MANE Select); coding-DNA position 4947, one base duplicated (G; older notation c.4947dupG).
Protein change: p.Pro1650fs; shifts the reading frame from proline 1650.
Molecular consequence: frameshift variant.
Genome position (GRCh38, 1-based): chr17:31,325,931, G duplicated; the last of 3 consecutive G bases (chr17:31,325,929-31,325,931); duplicating any one gives the same sequence. VCF-style (leftmost placement, unchanged base first): chr17-31325928-C-CG. GRCh37 (hg19) VCF-style: chr17-29652946-C-CG.
Other names: c.4884dup, p.Pro1629Alafs (NM_000267.4); short protein forms P1629fs, P1650fs.
Identifiers: ClinVar variation 1070949 (VCV001070949.5), dbSNP rs2151537841, ClinGen allele CA2499224156.

ClinVar aggregate classification (germline): Pathogenic (1 of 4 stars; one submission).

Conditions:
Neurofibromatosis, type 1 (NF1). Also called: VON RECKLINGHAUSEN DISEASE; Peripheral type neurofibromatosis; NEUROFIBROMATOSIS, TYPE I, SOMATIC; Neurofibromatosis, type I. Identifiers: Orphanet 636, MedGen C0027831, MONDO:0018975, OMIM 162200. Disease mechanism: loss of function.

Submission:

Labcorp Genetics (formerly Invitae), Labcorp
Classification: Pathogenic for Neurofibromatosis, type 1. Last evaluated: 2020-06-08. Review status: criteria provided, single submitter. Criteria: Invitae Variant Classification Sherloc (09022015). Collection method: clinical testing. Allele origin: germline.
Comment: This sequence change creates a premature translational stop signal (p.Pro1629Alafs*2) in the NF1 gene. It is expected to result in an absent or disrupted protein product. This variant is not present in population databases (ExAC no frequency). This variant has not been reported in the literature in individuals with NF1-related conditions. Loss-of-function variants in NF1 are known to be pathogenic (PMID: 10712197, 23913538). For these reasons, this variant has been classified as Pathogenic.

Literature cited by the submitters: PubMed 10712197; PubMed 23913538.